The following is an entry in ClinVar:

ClinVar aggregate classification (germline): Uncertain significance. Review status: criteria provided, multiple submitters, no conflicts (2 of 4 stars). 3 submissions from 3 submitters: Uncertain significance (3). Last evaluated 2025-06-17.

Conditions:
Bethlem myopathy 1A. Also called: Bethlem Muscular Dystrophy; MYOPATHY, BENIGN CONGENITAL, WITH CONTRACTURES; Bethlem myopathy 1. Identifiers: Orphanet 610, MedGen CN029274, MONDO:0024530, OMIM 158810.

Allele frequency attached by ClinVar (database versions not stated): ExAC 0.00003; TOPMed 0.00006; gnomAD 0.00007; gnomAD exomes 0.00007.
gnomAD v4.1: 127 of 1,613,254 alleles (0.0079%); highest among the groups gnomAD compares: Non-Finnish European, 0.01%; no homozygotes.

Submissions (4):

Labcorp Genetics (formerly Invitae), Labcorp
Classification: Uncertain significance for Bethlem myopathy 1A. Last evaluated: 2025-06-17. Review status: criteria provided, single submitter. Criteria: Invitae Variant Classification Sherloc (09022015). Collection method: clinical testing. Allele origin: germline.
Comment: This sequence change affects codon 820 of the COL6A2 mRNA. It is a 'silent' change, meaning that it does not change the encoded amino acid sequence of the COL6A2 protein. It affects a nucleotide within the consensus splice site. This variant is present in population databases (rs754900547, gnomAD 0.01%). This variant has not been reported in the literature in individuals affected with COL6A2-related conditions. ClinVar contains an entry for this variant (Variation ID: 497238). Algorithms developed to predict the effect of sequence changes on RNA splicing suggest that this variant may disrupt the consensus splice site. In summary, the available evidence is currently insufficient to determine the role of this variant in disease. Therefore, it has been classified as a Variant of Uncertain Significance.

GeneDx
Classification: Uncertain significance. Last evaluated: 2022-05-26. Review status: criteria provided, single submitter. Criteria: GeneDx Variant Classification Process June 2021. Collection method: clinical testing. Allele origin: germline. Affected: yes.
Comment: Has not been previously published as pathogenic or benign to our knowledge; In-silico analysis is inconclusive as to whether the variant alters gene splicing. In the absence of RNA/functional studies, the actual effect of this sequence change is unknown.

Eurofins Ntd Llc (ga)
Classification: Uncertain significance. Last evaluated: 2016-09-30. Review status: criteria provided, single submitter. Criteria: EGL Classification Definitions 2015. Collection method: clinical testing. Allele origin: germline. Observed: 1 variant allele, 1 heterozygote.

Dr. Peter K. Rogan Lab, Western University
No classification provided (evidence only). Condition: Lung cancer. Review status: no classification provided. Collection method: in vitro. Allele origin: not applicable. Functional consequence: skipped exon, retained intron. Not counted in ClinVar's aggregate classification.

NM_001849.4(COL6A2):c.2460A>C (p.Thr820=)

Gene: COL6A2 (collagen type VI alpha 2 chain; plus strand). Cytogenetic location: 21q22.3.
Variant type: single nucleotide variant.
Coding change: c.2460A>C on transcript NM_001849.4 (MANE Select); coding-DNA position 2460, A replaced by C.
Protein change: p.Thr820=; no amino-acid change (threonine 820 retained).
Molecular consequence: synonymous variant.
Genome position (GRCh38, 1-based): chr21:46,126,540, A>C. VCF-style: chr21-46126540-A-C. GRCh37 (hg19) VCF-style: chr21-47546454-A-C.
Other names: c.2460A>C, p.Thr820= (NM_058174.3, NM_058175.3).
Identifiers: ClinVar variation 497238 (VCV000497238.16), dbSNP rs754900547, ClinGen allele CA10072630.
Genomic context (GRCh38, chr21:46,126,540, plus strand): 5'-CCGGCCTCTCTCCTCTCTTCCAGACCCTCAGATCGTGTGCCCAGACCTTCCCTGCCAAAC[A>C]GGTAATGCAGGGCACCCTGAGCCACCACCCCAGACTAGCAAAGCAGCCCTGGTGTCCTTC-3'
Protein context (NP_001840.3, residues 810-830): QIVCPDLPCQ[Thr820=]ELSVAQCTQR